The following is an entry in ClinVar:

NM_001267550.2(TTN):c.34341C>T (p.Pro11447=)

Gene: TTN (titin; minus strand). Cytogenetic location: 2q31.2.
Variant type: single nucleotide variant.
Coding change: c.34341C>T on transcript NM_001267550.2 (MANE Select); coding-DNA position 34341, C replaced by T.
Protein change: p.Pro11447=; no amino-acid change (proline 11447 retained).
Molecular consequence: synonymous variant. On other transcripts: intron variant (5).
Genome position (GRCh38, 1-based): chr2:178,677,238, G>A on the plus strand (C>T on the coding strand, the complement: TTN is on the minus strand). VCF-style: chr2-178677238-G-A. GRCh37 (hg19) VCF-style: chr2-179541965-G-A.
Other names: c.13283-34921C>T (NM_003319.4); c.13859-34921C>T (NM_133437.4); c.13658-34921C>T (NM_133432.3); c.30559+383C>T (NM_133378.4); c.33340+383C>T (NM_001256850.1).
Identifiers: ClinVar variation 413210 (VCV000413210.14), dbSNP rs369715093, ClinGen allele CA1998091.
Genomic context (GRCh38, chr2:178,677,238, plus strand): 5'-GTATTCACTTTGGGGAGGTGTACCTTTGGGTGGTGGTGGAGGTTCCACTTTTTTAGGGGC[G>A]GGAACAGGGACTTTCTTCTCTGGTACAGGTTTCTTTGGCACTTCAGGCACTTAAAAACAT-3'
Protein context (NP_001254479.2, residues 11437-11457): KPVPEKKVPV[Pro11447=]APKKVEPPPP

ClinVar aggregate classification (germline): Likely benign. Review status: criteria provided, multiple submitters, no conflicts (2 of 4 stars). 3 submissions from 3 submitters: Likely benign (3). Last evaluated 2026-09-21.

Conditions:
Dilated cardiomyopathy 1G (CMD1G). Identifiers: Orphanet 154, MedGen C1858763, MONDO:0011400, OMIM 604145.
Autosomal recessive limb-girdle muscular dystrophy type 2J (LGMDR10). Also called: Limb-girdle muscular dystrophy, type 2J; MUSCULAR DYSTROPHY, LIMB-GIRDLE, AUTOSOMAL RECESSIVE 10. Identifiers: Orphanet 140922, MedGen C1837342, MONDO:0012127, OMIM 608807.

Allele frequency attached by ClinVar (database versions not stated): gnomAD 0.00003; ExAC 0.00063; TOPMed 0.00005; gnomAD exomes 0.00016; 1000 Genomes Project 30x 0.00094.
gnomAD v4.1: 24 of 1,222,132 alleles (0.002%); highest among the groups gnomAD compares: East Asian, 0.032%; no homozygotes.

Submissions (3):

Molecular Diagnostic Laboratory for Inherited Cardiovascular Disease, Montreal Heart Institute
Classification: Likely benign. Last evaluated: 2026-09-21. Review status: criteria provided, single submitter. Criteria: ACMG Guidelines, 2015. Collection method: clinical testing. Allele origin: germline. Affected: no.
Comment: BP7

Labcorp Genetics (formerly Invitae), Labcorp
Classification: Likely benign for Dilated cardiomyopathy 1G; Autosomal recessive limb-girdle muscular dystrophy type 2J. Last evaluated: 2026-01-17. Review status: criteria provided, single submitter. Criteria: Invitae Variant Classification Sherloc (09022015). Collection method: clinical testing. Allele origin: germline.

Breakthrough Genomics
Classification: Likely benign. Review status: criteria provided, single submitter. Criteria: ACMG Guidelines, 2015. Collection method: not provided. Allele origin: germline. Inheritance: Autosomal recessive inheritance. Affected: yes.